The following is an entry in ClinVar:

ClinVar aggregate classification (germline): Uncertain significance (1 of 4 stars; one submission).

Conditions:
Charcot-Marie-Tooth disease type 4. Also called: Charcot-Marie-Tooth disease, type IV; Charcot-Marie-Tooth, Type 4. Identifiers: Orphanet 64749, MedGen C4082197, MONDO:0018995.

Submission:

Labcorp Genetics (formerly Invitae), Labcorp
Classification: Uncertain significance for Charcot-Marie-Tooth disease type 4. Last evaluated: 2025-07-02. Review status: criteria provided, single submitter. Criteria: Invitae Variant Classification Sherloc (09022015). Collection method: clinical testing. Allele origin: germline.
Comment: This variant, c.1602_1616del, results in the deletion of 5 amino acid(s) of the PRX protein (p.Met536_Glu540del), but otherwise preserves the integrity of the reading frame. This variant is not present in population databases (gnomAD no frequency). This variant has not been reported in the literature in individuals affected with PRX-related conditions. Experimental studies and prediction algorithms are not available or were not evaluated, and the functional significance of this variant is currently unknown. In summary, the available evidence is currently insufficient to determine the role of this variant in disease. Therefore, it has been classified as a Variant of Uncertain Significance.

NM_181882.3(PRX):c.1602_1616del (p.Met536_Glu540del)

Gene: PRX (periaxin; minus strand). Cytogenetic location: 19q13.2.
Variant type: Deletion.
Coding change: c.1602_1616del on transcript NM_181882.3 (MANE Select); coding-DNA positions 1602 to 1616, 15 bases deleted (AGAGATGGCTGTGCC).
Protein change: p.Met536_Glu540del.
Molecular consequence: 3 prime UTR variant (on NM_020956.2).
Genome position (GRCh38, 1-based): chr19:40,396,736-40,396,750, GGCACAGCCATCTCT deleted on the plus strand (AGAGATGGCTGTGCC on the coding strand, the reverse complement: PRX is on the minus strand); deleting any 15 consecutive bases within chr19:40,396,736-40,396,755 gives the same sequence; the c. name uses the placement nearest the transcript's 3' end. VCF-style (leftmost placement, unchanged base first): chr19-40396735-CGGCACAGCCATCTCT-C. GRCh37 (hg19) VCF-style: chr19-40902642-CGGCACAGCCATCTCT-C.
Other names: c.1887_1901del, p.Met631_Glu635del (NM_001411127.1); c.*1807_*1821del (NM_020956.2).
Identifiers: ClinVar variation 4766907 (VCV004766907.1).
Genomic context (GRCh38, chr19:40,396,735, plus strand): 5'-CACCTCTGGGAGTTTCATCTCTGACACTTTCGGCAGCTGTACCTCTGGAAGCCGCACCTC[CGGCACAGCCATCTCT>C]GGCACCTTTGGGAGTTTCATCTCCGACACTTTCAGCAGCTGTACCTCTGGAAGCCGCACC-3'